The following continues an entry in ClinVar:

NM_007294.4(BRCA1):c.2679_2682del (p.Lys893fs)

Gene: BRCA1. ClinVar aggregate classification (germline): Pathogenic. Pathogenic (1).

Submissions 10 to 24 of 24:

All of Us Research Program, National Institutes of Health
Classification: Pathogenic for BRCA1-related cancer predisposition. Last evaluated: 2024-06-09. Review status: criteria provided, single submitter. Criteria: ACMG Guidelines, 2015. Collection method: clinical testing. Allele origin: germline. Inheritance: Autosomal dominant inheritance. Observed: 2 variant alleles, 2 heterozygotes. Not counted in ClinVar's aggregate classification.
Comment: This variant deletes 4 nucleotides in exon 10 of the BRCA1 gene, creating a frameshift and premature translation stop signal. This variant is expected to result in an absent or non-functional protein product. This variant has been reported in individuals affected with early onset breast cancer, triple negative breast cancer, male breast cancer, ovarian cancer and in hereditary breast and ovarian cancer families (PMID: 22006311, 22333603, 22711857, 22762150, 23192404, 23772696, 30702160, 30972954, 31090900; Color internal data). This variant has not been identified in the general population by the Genome Aggregation Database (gnomAD). Loss of BRCA1 function is a known mechanism of disease. Based on the available evidence, this variant is classified as Pathogenic.

This study involves interpretation of variants in research participants for the purpose of population health screening. Participant phenotype was not available at the time of variant classification. Additional details can be found in publication PMID: 35346344, PMCID: PMC8962531

Baylor Genetics
Classification: Pathogenic for Breast-ovarian cancer, familial, susceptibility to, 1. Last evaluated: 2023-12-18. Review status: criteria provided, single submitter. Criteria: ACMG Guidelines, 2015. Collection method: clinical testing. Allele origin: unknown. Not counted in ClinVar's aggregate classification.

ARUP Laboratories, Molecular Genetics and Genomics, ARUP Laboratories
Classification: Pathogenic. Last evaluated: 2023-08-11. Review status: criteria provided, single submitter. Criteria: ARUP Molecular Germline Variant Investigation Process 2024. Collection method: clinical testing. Allele origin: germline. Not counted in ClinVar's aggregate classification.
Comment: The BRCA1 c.2679_2682delGAAA; p.Lys893AsnfsTer106 variant (rs80357596), also reported as 2798del4, has been described in several individuals with hereditary breast and ovarian syndrome (Azzollini 2016, Borg 2010, Couch 1997, Walsh 2011). This variant is reported in ClinVar (Variation ID: 37481), and is absent from general population databases (Exome Variant Server and Genome Aggregation Database), indicating it is not a common polymorphism. This variant causes a frameshift by deleting four nucleotides, so it is predicted to result in a truncated protein or mRNA subject to nonsense-mediated decay. Based on available information, this variant is considered pathogenic. REFERENCES Azzollini J et al. Mutation detection rates associated with specific selection criteria for BRCA1/2 testing in 1854 high-risk families: A monocentric Italian study. Eur J Intern Med. 2016 Jul;32:65-71. PMID: 27062684. Borg A et al. Characterization of BRCA1 and BRCA2 deleterious mutations and variants of unknown clinical significance in unilateral and bilateral breast cancer: the WECARE study. Hum Mutat. 2010 Mar;31(3):E1200-40. PMID: 20104584. Couch F et al. BRCA1 mutations in women attending clinics that evaluate the risk of breast cancer. N Engl J Med. 1997 May 15;336(20):1409-15. PMID: 9145677. Walsh T et al. Mutations in 12 genes for inherited ovarian, fallopian tube, and peritoneal carcinoma identified by massively parallel sequencing. Proc Natl Acad Sci U S A. 2011 Nov 1;108(44):18032-7. PMID: 22006311.

Revvity Omics, Revvity
Classification: Pathogenic. Last evaluated: 2023-05-24. Review status: criteria provided, single submitter. Criteria: ACMG Guidelines, 2015. Collection method: clinical testing. Allele origin: germline. Not counted in ClinVar's aggregate classification.

Sema4
Classification: Pathogenic for Hereditary cancer-predisposing syndrome. Last evaluated: 2022-01-19. Review status: criteria provided, single submitter. Criteria: Sema4 Curation Guidelines. Collection method: curation. Allele origin: germline. Not counted in ClinVar's aggregate classification.
Comment: The BRCA1 c.2679_2682delGAAA (p.K893NfsX106) variant has been reported in heterozygosity in multiple individuals with breast or ovarian cancer (PMID: 9145677, 31372034, 30972954, 29446198, among others). It is also known as 2798del4 in the literature. This variant is a well-established pathogenic variant associated with hereditary breast and ovarian cancer (PMID: 29446198). The variant causes a frameshift at amino acid 893 that results in premature termination 106 amino acids downstream. This alteration is expected to result in loss of function by premature protein truncation or nonsense-mediated mRNA decay. Loss of function variants in BRCA1 are known to be pathogenic (PMID: 29446198). This variant is not reported in the population database Genome Aggregation Database (PMID: 32461654), but has been reported in ClinVar (Variation ID: 37481). Based on the current evidence available, this variant is interpreted as pathogenic.

Women's Health and Genetics/Laboratory Corporation of America, LabCorp
Classification: Pathogenic for Hereditary breast ovarian cancer syndrome. Last evaluated: 2021-05-27. Review status: criteria provided, single submitter. Criteria: LabCorp Variant Classification Summary - May 2015. Collection method: clinical testing. Allele origin: germline. Not counted in ClinVar's aggregate classification.
Comment: Variant summary: BRCA1 c.2679_2682delGAAA (p.Lys893AsnfsX106) results in a premature termination codon, predicted to cause a truncation of the encoded protein or absence of the protein due to nonsense mediated decay, which are commonly known mechanisms for disease. Truncations downstream of this position have been classified as pathogenic by our laboratory. The variant was absent in 250972 control chromosomes. c.2679_2682delGAAA has been reported in the literature in multiple individuals affected with Hereditary Breast And Ovarian Cancer Syndrome (ie. Alsop_2012, Couch_1997, Rummel_2013, Roberston_2012, Wagner_1996, etc). Ten clinical diagnostic laboratories have submitted clinical-significance assessments for this variant to ClinVar after 2014 without evidence for independent evaluation. All laboratories classified the variant as pathogenic. Based on the evidence outlined above, the variant was classified as pathogenic.

GeneDx
Classification: Pathogenic. Last evaluated: 2020-08-12. Review status: criteria provided, single submitter. Criteria: GeneDx Variant Classification Process June 2021. Collection method: clinical testing. Allele origin: germline. Affected: yes. Not counted in ClinVar's aggregate classification.
Comment: Frameshift variant predicted to result in protein truncation or nonsense mediated decay in a gene for which loss-of-function is a known mechanism of disease; Identified in individuals with personal and family histories of breast and/or ovarian cancer (Couch 1997, Borg 2010, Walsh 2011, Alsop 2012, Deng 2019, Ashour 2019); Truncating variants in this gene are considered pathogenic by a well-established clinical consortium and/or database; Not observed in large population cohorts (Lek 2016); Also known as 2798del4 or 2795del4; This variant is associated with the following publications: (PMID: 22006311, 9145677, 8622478, 26187060, 22711857, 20104584, 28497333, 30972954, 31372034, 27062684, 32341426, 31825140, 31090900)

HudsonAlpha Institute for Biotechnology
Classification: Pathogenic for Breast-ovarian cancer, familial, susceptibility to, 1. Last evaluated: 2018-05-22. Review status: criteria provided, single submitter. Criteria: ACMG Guidelines, 2015. Collection method: research. Allele origin: unknown. Observed: 1 variant allele. Study: AGHI-GT-HudsonAlpha. Not counted in ClinVar's aggregate classification.

Laboratory for Molecular Medicine, Mass General Brigham Personalized Medicine
Classification: Pathogenic for Hereditary breast ovarian cancer syndrome. Last evaluated: 2016-04-28. Review status: criteria provided, single submitter. Criteria: LMM Criteria. Collection method: clinical testing. Allele origin: germline. Inheritance: Autosomal dominant inheritance. Observed: 1 variant allele. Not counted in ClinVar's aggregate classification.
Comment: The p.Lys893fs variant in BRCA1 has been reported in >50 individuals with BRCA1- associated cancers (Couch 1997, Wagner 1998, Borg 2012, Walsh 2011, Lecarpentier 2012, Breast Cancer Information Core (BIC) database) and was absent from large population studies, though the ability of these studies to accurately detect ind els may be limited. This variant is predicted to cause a frameshift, which alter s the protein?s amino acid sequence beginning at position 893 and leads to a pre mature termination codon 106 amino acids downstream. Heterozygous loss of functi on of the BRCA1 gene is an established disease mechanism in individuals with her editary breast and ovarian cancer (HBOC). In summary, this variant meets our cri teria to be classified as pathogenic for HBOC in an autosomal dominant manner.

Consortium of Investigators of Modifiers of BRCA1/2 (CIMBA), c/o University of Cambridge
Classification: Pathogenic for Breast-ovarian cancer, familial, susceptibility to, 1. Last evaluated: 2015-10-02. Review status: criteria provided, single submitter. Criteria: CIMBA Mutation Classification guidelines May 2016. Collection method: clinical testing. Allele origin: germline. Not counted in ClinVar's aggregate classification.

Molecular Oncology, Hospital Universitario Central de Asturias (HUCA)
Classification: Pathogenic for Breast-ovarian cancer, familial, susceptibility to, 1. Last evaluated: 2021-05-24. Review status: no assertion criteria provided. Collection method: case-control. Allele origin: germline. Affected: yes. Not counted in ClinVar's aggregate classification.

Counsyl
Classification: Likely pathogenic for Breast-ovarian cancer, familial 1. Last evaluated: 2014-08-19. Review status: no assertion criteria provided. Collection method: literature only. Allele origin: unknown. Inheritance: Autosomal dominant inheritance. Not counted in ClinVar's aggregate classification.

Research Molecular Genetics Laboratory, Women's College Hospital, University of Toronto
Classification: Pathogenic for Hereditary breast ovarian cancer syndrome. Last evaluated: 2014-01-31. Review status: no assertion criteria provided. Collection method: research. Allele origin: germline. Affected: yes. Study: The Canadian Open Genetics Repository (COGR). Not counted in ClinVar's aggregate classification.

Sharing Clinical Reports Project (SCRP)
Classification: Pathogenic for Breast-ovarian cancer, familial 1. Last evaluated: 2012-02-13. Review status: no assertion criteria provided. Collection method: clinical testing. Allele origin: germline. Not counted in ClinVar's aggregate classification.

Breast Cancer Information Core (BIC) (BRCA1)
Classification: Pathogenic for Breast-ovarian cancer, familial 1. Last evaluated: 2002-05-29. Review status: no assertion criteria provided. Collection method: clinical testing. Allele origin: germline. Affected: yes. Observed: 46 variant alleles. Not counted in ClinVar's aggregate classification.

Literature cited by the submitters: PubMed 20104584 (cited by 5 submitters); PubMed 9145677 (cited by 7 submitters); PubMed 22006311 (cited by 7 submitters); PubMed 22333603 (cited by 4 submitters); PubMed 22711857 (cited by 6 submitters); PubMed 22762150 (cited by 3 submitters); PubMed 23192404 (cited by 6 submitters); PubMed 23772696 (cited by 5 submitters); PubMed 30702160 (cited by 3 submitters); PubMed 30972954 (cited by 4 submitters); PubMed 31090900 (cited by 3 submitters); PubMed 31853058 (cited by Color Diagnostics, LLC DBA Color Health); PubMed 33471991 (cited by Color Diagnostics, LLC DBA Color Health); PubMed 40413188 (cited by Color Diagnostics, LLC DBA Color Health); PubMed 32375709 (cited by Dasa); PubMed 21989022 (cited by Dasa); PubMed 11802209 (cited by Dasa); PubMed 31825140 (cited by Quest Diagnostics Nichols Institute San Juan Capistrano); PubMed 32341426 (cited by Quest Diagnostics Nichols Institute San Juan Capistrano); PubMed 38922859 (cited by Quest Diagnostics Nichols Institute San Juan Capistrano and Molecular Oncology, Hospital Universitario Central de Asturias (HUCA)); PubMed 9663595 (cited by Quest Diagnostics Nichols Institute San Juan Capistrano and Laboratory for Molecular Medicine, Mass General Brigham Personalized Medicine); PubMed 21702907 (cited by 3 submitters); PubMed 16528604 (cited by Quest Diagnostics Nichols Institute San Juan Capistrano and Women's Health and Genetics/Laboratory Corporation of America, LabCorp); PubMed 16267036 (cited by Quest Diagnostics Nichols Institute San Juan Capistrano and Counsyl); PubMed 8622478 (cited by 3 submitters); PubMed 26295337 (cited by Quest Diagnostics Nichols Institute San Juan Capistrano); PubMed 31372034 (cited by Sema4); PubMed 29446198 (cited by Sema4).